The following is an entry in ClinVar:

NM_000384.3(APOB):c.7466T>G (p.Ile2489Arg)

Gene: APOB (apolipoprotein B; minus strand). Cytogenetic location: 2p24.1.
Variant type: single nucleotide variant.
Coding change: c.7466T>G on transcript NM_000384.3 (MANE Select); coding-DNA position 7466, T replaced by G.
Protein change: p.Ile2489Arg; replaces isoleucine 2489 with arginine.
Molecular consequence: missense variant.
Genome position (GRCh38, 1-based): chr2:21,009,402, A>C on the plus strand (T>G on the coding strand, the complement: APOB is on the minus strand). VCF-style: chr2-21009402-A-C. GRCh37 (hg19) VCF-style: chr2-21232274-A-C.
Other names: short protein forms I2489R.
Identifiers: ClinVar variation 1759035 (VCV001759035.4), dbSNP rs2465368781, ClinGen allele CA345997094.
Genomic context (GRCh38, chr2:21,009,402, plus strand): 5'-TTCATGTGAGCCAAAGATGCTGAACTTAAAGCCTCCTGTAACCAATTGATGATTAAGGTT[A>C]TTTTGGTGTCCTGTAGGCTTTCCAGATACACTGCAACTGTGGCCTTGGTTTCCTCTAAAA-3'
Protein context (NP_000375.3, residues 2479-2499): VYLESLQDTK[Ile2489Arg]TLIINWLQEA

ClinVar aggregate classification (germline): Uncertain significance. Review status: criteria provided, multiple submitters, no conflicts (2 of 4 stars). 3 submissions from 3 submitters: Uncertain significance (3). Last evaluated 2025-02-10.

Conditions:
Cardiovascular phenotype. Identifiers: MedGen CN230736.

Submissions (3):

GeneDx
Classification: Uncertain significance. Last evaluated: 2025-02-10. Review status: criteria provided, single submitter. Criteria: GeneDx Variant Classification Process June 2021. Collection method: clinical testing. Allele origin: germline. Affected: yes.
Comment: Not observed at significant frequency in large population cohorts (gnomAD); In silico analysis supports that this missense variant has a deleterious effect on protein structure/function; Has not been previously published as pathogenic or benign to our knowledge; Also known as I2462R

Quest Diagnostics Nichols Institute San Juan Capistrano
Classification: Uncertain significance. Last evaluated: 2022-10-27. Review status: criteria provided, single submitter. Criteria: Quest Diagnostics criteria. Collection method: clinical testing. Allele origin: unknown.
Comment: This variant has not been reported in the published literature. It also has not been reported in large, multi-ethnic general populations. Analysis of this variant using bioinformatics tools for the prediction of the effect of amino acid changes on protein structure and function yielded conflicting predictions that this variant is benign or damaging. Based on the available information, we are unable to determine the clinical significance of this variant.

Ambry Genetics
Classification: Uncertain significance for Cardiovascular phenotype. Last evaluated: 2018-12-06. Review status: criteria provided, single submitter. Criteria: Ambry Variant Classification Scheme 2023. Collection method: clinical testing. Allele origin: germline.
Comment: The p.I2489R variant (also known as c.7466T>G), located in coding exon 26 of the APOB gene, results from a T to G substitution at nucleotide position 7466. The isoleucine at codon 2489 is replaced by arginine, an amino acid with similar properties. This amino acid position is not well conserved in available vertebrate species. In addition, this alteration is predicted to be tolerated by in silico analysis. Since supporting evidence is limited at this time, the clinical significance of this alteration remains unclear.